The following is an entry in ClinVar:

ClinVar aggregate classification (germline): Likely pathogenic. Review status: criteria provided, multiple submitters, no conflicts (2 of 4 stars). 2 submissions from 2 submitters: Likely pathogenic (2). Last evaluated 2024-06-18.

Conditions:
Maturity-onset diabetes of the young type 4 (MODY4). Also called: Maturity-onset diabetes of the young, type IV; MODY, type IV. Identifiers: Orphanet 552, MedGen C1833382, MONDO:0011667, OMIM 606392.
Pancreatic agenesis 1 (PAGEN1). Also called: PANCREATIC HYPOPLASIA, CONGENITAL. Identifiers: Orphanet 2805, MedGen C3891828, MONDO:0024547, OMIM 260370.
Type 2 diabetes mellitus. Also called: Type II diabetes mellitus. Identifiers: MedGen C0011860, MeSH D003924, MONDO:0005148, OMIM 125853, HP:0005978.
Maturity-onset diabetes of the young (MODY). Also called: Maturity onset diabetes mellitus in young. Identifiers: Orphanet 552, MedGen C0342276, MONDO:0018911, HP:0004904.

Submissions (2):

Fulgent Genetics
Classification: Likely pathogenic for Type 2 diabetes mellitus; Pancreatic agenesis 1; Maturity-onset diabetes of the young type 4. Last evaluated: 2024-06-18. Review status: criteria provided, single submitter. Criteria: ACMG Guidelines, 2015. Collection method: clinical testing. Allele origin: germline.

Ambry Genetics
Classification: Likely pathogenic for Maturity-onset diabetes of the young. Last evaluated: 2017-08-23. Review status: criteria provided, single submitter. Criteria: Ambry Variant Classification Scheme 2023. Collection method: clinical testing. Allele origin: germline.
Comment: The c.671_672dupAG variant, located in coding exon 2 of the PDX1 gene, results from a duplication of AG at nucleotide position 671, causing a translational frameshift with a predicted alternate stop codon (p.Q225Sfs*6). Frameshifts are typically deleterious in nature, however, this frameshift occurs at the 3' terminus of PDX1, is not expected to trigger nonsense-mediated mRNA decay, and impacts only the last 64 amino acids of the protein. The exact functional impact of these altered amino acids is unknown at this time; however, this frameshift impacts a signalling motif indicated to be needed for regulation of the degradation and translocation of PDX1 (Zhou G et al. Curr. Mol. Med., 2013 Mar;13:377-86). Based on the majority of available evidence to date, this variant is likely to be pathogenic.

Literature cited by the submitters: PubMed 23331010 (cited by Ambry Genetics).

NM_000209.4(PDX1):c.671_672dup (p.Gln225fs)

Gene: PDX1 (pancreatic and duodenal homeobox 1; plus strand). Cytogenetic location: 13q12.2.
Variant type: Duplication.
Coding change: c.671_672dup on transcript NM_000209.4 (MANE Select); coding-DNA positions 671 to 672, 2 bases duplicated (AG; older notation c.671_672dupAG).
Protein change: p.Gln225fs; shifts the reading frame from glutamine 225.
Molecular consequence: frameshift variant.
Genome position (GRCh38, 1-based): chr13:27,924,520-27,924,521, AG duplicated; duplicating any 2 consecutive bases within chr13:27,924,519-27,924,521 gives the same sequence; the c. name uses the placement nearest the transcript's 3' end. VCF-style (leftmost placement, unchanged base first): chr13-27924518-T-TGA. GRCh37 (hg19) VCF-style: chr13-28498655-T-TGA.
Other names: short protein forms Q225fs.
Identifiers: ClinVar variation 1755049 (VCV001755049.3), dbSNP rs2500206807, ClinGen allele CA2580086880.
Genomic context (GRCh38, chr13:27,924,518, plus strand): 5'-GGAGGAGGACAAGAAGCGCGGCGGCGGGACAGCTGTCGGGGGTGGCGGGGTCGCGGAGCC[T>TGA]GAGCAGGACTGCGCCGTGACCTCCGGCGAGGAGCTTCTGGCGCTGCCGCCGCCGCCGCCC-3'